The following is an entry in ClinVar:

ClinVar aggregate classification (germline): Uncertain significance (1 of 4 stars; one submission).

gnomAD v4.1: 1 of 1,613,990 alleles (0.000062%); highest among the groups gnomAD compares: African/African-American, 0.0013%; no homozygotes.

Submission:

Labcorp Genetics (formerly Invitae), Labcorp
Classification: Uncertain significance. Last evaluated: 2022-03-23. Review status: criteria provided, single submitter. Criteria: Invitae Variant Classification Sherloc (09022015). Collection method: clinical testing. Allele origin: germline.
Comment: In summary, the available evidence is currently insufficient to determine the role of this variant in disease. Therefore, it has been classified as a Variant of Uncertain Significance. This variant is not present in population databases (gnomAD no frequency). This variant has not been reported in the literature in individuals affected with ELOVL4-related conditions. Algorithms developed to predict the effect of missense changes on protein structure and function (SIFT, PolyPhen-2, Align-GVGD) all suggest that this variant is likely to be tolerated. This sequence change replaces valine, which is neutral and non-polar, with leucine, which is neutral and non-polar, at codon 133 of the ELOVL4 protein (p.Val133Leu).

NM_022726.4(ELOVL4):c.397G>T (p.Val133Leu)

Gene: ELOVL4 (ELOVL fatty acid elongase 4; minus strand). Cytogenetic location: 6q14.1.
Variant type: single nucleotide variant.
Coding change: c.397G>T on transcript NM_022726.4 (MANE Select); coding-DNA position 397, G replaced by T.
Protein change: p.Val133Leu; replaces valine 133 with leucine.
Molecular consequence: missense variant.
Genome position (GRCh38, 1-based): chr6:79,921,769, C>A on the plus strand (G>T on the coding strand, the complement: ELOVL4 is on the minus strand). VCF-style: chr6-79921769-C-A. GRCh37 (hg19) VCF-style: chr6-80631486-C-A.
Other names: short protein forms V133L.
Identifiers: ClinVar variation 2113884 (VCV002113884.4), dbSNP rs2532974843, ClinGen allele CA364656758.